The following is an entry in ClinVar:

NM_004006.3(DMD):c.3982C>T (p.Gln1328Ter)

Gene: DMD (dystrophin; minus strand). Cytogenetic location: Xp21.1.
Variant type: single nucleotide variant.
Coding change: c.3982C>T on transcript NM_004006.3 (MANE Select); coding-DNA position 3982, C replaced by T.
Protein change: p.Gln1328Ter; replaces glutamine 1328 with a stop codon.
Molecular consequence: nonsense.
Genome position (GRCh38, 1-based): chrX:32,438,330, G>A on the plus strand (C>T on the coding strand, the complement: DMD is on the minus strand). VCF-style: chrX-32438330-G-A. GRCh37 (hg19) VCF-style: chrX-32456447-G-A.
Other names: c.3958C>T, p.Gln1320Ter (NM_000109.4); c.3970C>T, p.Gln1324Ter (NM_004009.3); c.3613C>T, p.Gln1205Ter (NM_004010.3); short protein forms Q1205*, Q1320*, Q1324*, Q1328*.
Identifiers: ClinVar variation 982037 (VCV000982037.6), dbSNP rs745640786, ClinGen allele CA412669391.

ClinVar aggregate classification (germline): Pathogenic. Review status: criteria provided, multiple submitters, no conflicts (2 of 4 stars). 2 submissions from 2 submitters: Pathogenic (2).

Conditions:
Becker muscular dystrophy (BMD). Also called: MUSCULAR DYSTROPHY, PSEUDOHYPERTROPHIC PROGRESSIVE, BECKER TYPE; Becker Muscular Dystrophy (BMD). Identifiers: Orphanet 98895, MedGen C0917713, MONDO:0010311, OMIM 300376.
Duchenne muscular dystrophy (DMD). Also called: MUSCULAR DYSTROPHY, PSEUDOHYPERTROPHIC PROGRESSIVE, DUCHENNE TYPE; Duchenne Muscular Dystrophy (DMD). Identifiers: Orphanet 98896, MedGen C0013264, MONDO:0010679, OMIM 310200.

Submissions (2):

Consultorio y Laboratorio de Neurogenética, Hospital JM Ramos Mejia
Classification: Pathogenic for Duchenne muscular dystrophy. Review status: criteria provided, single submitter. Criteria: Perez et al. (J Hum Genet. 2020). Collection method: clinical testing. Allele origin: unknown. Inheritance: X-linked inheritance. Affected: yes. Observed: 1 hemizygote.

Juno Genomics, Hangzhou Juno Genomics, Inc
Classification: Pathogenic for Becker muscular dystrophy. Review status: criteria provided, single submitter. Criteria: ACMG Guidelines, 2015. Collection method: clinical testing. Allele origin: germline. Affected: yes.
Comment: Absent from controls (or at extremely low frequency if recessive) in Genome Aggregation Database, Exome Sequencing Project, 1000 Genomes Project, or Exome Aggregation Consortium.;Null variant in a gene where loss of function (LOF) is a known mechanism of disease.;The prevalence of the variant in affected individuals is significantly increased compared to the prevalence in controls.